The following is an entry in ClinVar:

ClinVar aggregate classification (germline): Uncertain significance (1 of 4 stars; one submission).

Conditions:
Hereditary cancer-predisposing syndrome. Also called: Neoplastic Syndromes, Hereditary; Tumor predisposition; Hereditary neoplastic syndrome; Hereditary Cancer Syndrome. Identifiers: Orphanet 140162, MedGen C0027672, MeSH D009386, MONDO:0015356.

Submission:

Ambry Genetics
Classification: Uncertain significance for Hereditary cancer-predisposing syndrome. Last evaluated: 2023-11-13. Review status: criteria provided, single submitter. Criteria: Ambry Variant Classification Scheme 2023. Collection method: clinical testing. Allele origin: germline.
Comment: The p.N363H variant (also known as c.1087A>C), located in coding exon 11 of the POLE gene, results from an A to C substitution at nucleotide position 1087. The asparagine at codon 363 is replaced by histidine, an amino acid with similar properties. This amino acid position is highly conserved in available vertebrate species. In addition, this alteration is predicted to be tolerated by in silico analysis. Since supporting evidence is limited at this time, the clinical significance of this alteration remains unclear.

NM_006231.4(POLE):c.1087A>C (p.Asn363His)

Gene: POLE (DNA polymerase epsilon, catalytic subunit; minus strand). Cytogenetic location: 12q24.33.
Variant type: single nucleotide variant.
Coding change: c.1087A>C on transcript NM_006231.4 (MANE Select); coding-DNA position 1087, A replaced by C.
Protein change: p.Asn363His; replaces asparagine 363 with histidine.
Molecular consequence: missense variant.
Genome position (GRCh38, 1-based): chr12:132,675,754, T>G on the plus strand (A>C on the coding strand, the complement: POLE is on the minus strand). VCF-style: chr12-132675754-T-G. GRCh37 (hg19) VCF-style: chr12-133252340-T-G.
Other names: short protein forms N363H.
Identifiers: ClinVar variation 3225384 (VCV003225384.1), dbSNP rs2043034693, ClinGen allele CA387361407.